The following is an entry in ClinVar:

ClinVar aggregate classification (germline): Likely benign (1 of 4 stars; one submission).

Submission:

CeGaT Center for Human Genetics Tuebingen
Classification: Likely benign. Last evaluated: 2023-05-01. Review status: criteria provided, single submitter. Criteria: CeGaT Center For Human Genetics Tuebingen Variant Classification Criteria Version 2. Collection method: clinical testing. Allele origin: germline. Affected: yes. Observed: 1 variant allele.
Comment: CLTC: PM2:Supporting, BP4, BP7

NM_004859.4(CLTC):c.2079G>C (p.Leu693=)

Gene: CLTC (clathrin heavy chain; plus strand). Cytogenetic location: 17q23.1.
Variant type: single nucleotide variant.
Coding change: c.2079G>C on transcript NM_004859.4 (MANE Select); coding-DNA position 2079, G replaced by C.
Protein change: p.Leu693=; no amino-acid change (leucine 693 retained).
Molecular consequence: synonymous variant.
Genome position (GRCh38, 1-based): chr17:59,666,928, G>C. VCF-style: chr17-59666928-G-C. GRCh37 (hg19) VCF-style: chr17-57744289-G-C.
Other names: c.2091G>C, p.Leu697= (NM_001288653.2).
Identifiers: ClinVar variation 2647987 (VCV002647987.24), dbSNP rs2509384756, ClinGen allele CA501093321.